The following is an entry in ClinVar:

ClinVar aggregate classification (germline): Uncertain significance (0 of 4 stars; one submission).

Conditions:
RNF135-related disorder. Also called: RNF135-related condition.

Submission:

PreventionGenetics, part of Exact Sciences
Classification: Uncertain significance for RNF135-related condition. Last evaluated: 2023-10-30. Review status: no assertion criteria provided. Collection method: clinical testing. Allele origin: germline.
Comment: The RNF135 c.5C>T variant is predicted to result in the amino acid substitution p.Ala2Val. To our knowledge, this variant has not been reported in the literature or in a large population database, indicating this variant is rare. At this time, the clinical significance of this variant is uncertain due to the absence of conclusive functional and genetic evidence.

NM_032322.4(RNF135):c.5C>T (p.Ala2Val)

Gene: RNF135 (ring finger protein 135; plus strand). Cytogenetic location: 17q11.2.
Variant type: single nucleotide variant.
Coding change: c.5C>T on transcript NM_032322.4 (MANE Select); coding-DNA position 5, C replaced by T.
Protein change: p.Ala2Val; replaces alanine 2 with valine.
Molecular consequence: missense variant.
Genome position (GRCh38, 1-based): chr17:30,971,078, C>T. VCF-style: chr17-30971078-C-T. GRCh37 (hg19) VCF-style: chr17-29298096-C-T.
Other names: c.5C>T, p.Ala2Val (NM_001184992.2, NM_197939.2); short protein forms A2V.
Identifiers: ClinVar variation 3046558 (VCV003046558.2), dbSNP rs371982152, ClinGen allele CA399201036.
Genomic context (GRCh38, chr17:30,971,078, plus strand): 5'-CTGAGGAGACTCGCCCGGCTCAACCCCGACGTCCGCGCCCCGGCCGCCTGTTGGCCATGG[C>T]GGGCCTGGGCCTGGGCTCCGCCGTTCCCGTGTGGCTGGCCGAGGACGACCTCGGCTGCAT-3'
Protein context (NP_115698.3, residues 1-12): M[Ala2Val]GLGLGSAVPV